The following is an entry in ClinVar:

NM_001126108.2(SLC12A3):c.505+6dup

Gene: SLC12A3 (solute carrier family 12 member 3; plus strand). Cytogenetic location: 16q13.
Variant type: Duplication.
Coding change: c.505+6dup on transcript NM_001126108.2 (MANE Select); 6 bases into the intron after coding-DNA position 505, one base duplicated (T; older notation c.505+6dupT).
Molecular consequence: intron variant.
Genome position (GRCh38, 1-based): chr16:56,868,378, T duplicated. VCF-style (leftmost placement, unchanged base first): chr16-56868377-G-GT. GRCh37 (hg19) VCF-style: chr16-56902289-G-GT.
Other names: c.505+6dup (NM_000339.3); c.502+6dup (NM_001126107.2, NM_001410896.1); c.505+6dupT (NM_000339.3).
Identifiers: ClinVar variation 3336528 (VCV003336528.1).
Genomic context (GRCh38, chr16:56,868,377, plus strand): 5'-TTGGGGCGTGATCCTCTACCTGCGGCTGCCCTGGATTACGGCCCAGGCAGGCATCGGTGA[G>GT]TGCCCCTCTGGGGAAGAGGAGGGAGGGCTTGCCTGAATCCCATTCTTCCCAGCTTGCCTG-3'

ClinVar aggregate classification (germline): Uncertain significance (1 of 4 stars; one submission).

Submission:

Women's Health and Genetics/Laboratory Corporation of America, LabCorp
Classification: Uncertain significance. Last evaluated: 2024-05-17. Review status: criteria provided, single submitter. Criteria: LabCorp Variant Classification Summary - May 2015. Collection method: clinical testing. Allele origin: germline.
Comment: Variant summary: SLC12A3 c.505+6dupT alters a non-conserved nucleotide located close to a canonical splice site and therefore could affect mRNA splicing, leading to a significantly altered protein sequence. Consensus agreement among computation tools predict no significant impact on normal splicing. However, these predictions have yet to be confirmed by functional studies. The variant was absent in 243624 control chromosomes (gnomAD). The available data on variant occurrences in the general population are insufficient to allow any conclusion about variant significance. To our knowledge, no occurrence of c.505+6dupT in individuals affected with Familial Hypokalemia-Hypomagnesemia and no experimental evidence demonstrating its impact on protein function have been reported. No submitters have cited clinical-significance assessments for this variant to ClinVar. Based on the evidence outlined above, the variant was classified as uncertain significance.